The following is an entry in ClinVar:

ClinVar aggregate classification (germline): Benign/Likely benign. Review status: criteria provided, multiple submitters, no conflicts (2 of 4 stars). 14 submissions from 14 submitters: Benign (6); Likely benign (5). 3 of the submissions do not count toward it. Last evaluated 2026-01-14.

Conditions:
Hereditary cancer-predisposing syndrome. Also called: Tumor predisposition; Neoplastic Syndromes, Hereditary; Hereditary neoplastic syndrome; Hereditary Cancer Syndrome. Identifiers: Orphanet 140162, MedGen C0027672, MeSH D009386, MONDO:0015356.
Familial cancer of breast. Also called: Hereditary breast cancer; BREAST CANCER, FAMILIAL; hereditary breast carcinoma. Identifiers: Orphanet 227535, MedGen C0346153, MONDO:0016419, OMIM 114480. Disease mechanism: loss of function.
Breast-ovarian cancer, familial, susceptibility to, 2 (BROVCA2). Also called: BRCA2 Hereditary Breast and Ovarian Cancer. Identifiers: Orphanet 145, MedGen C2675520, MONDO:0012933, OMIM 612555. Disease mechanism: loss of function.
Hereditary breast ovarian cancer syndrome. Also called: Hereditary breast and ovarian cancer; Hereditary breast and ovarian cancer syndrome (HBOC); Hereditary breast and/or ovarian cancer syndrome; Breast and ovarian cancer; Hereditary breast and ovarian cancer syndrome; BRCA1- and BRCA2-Associated Hereditary Breast and Ovarian Cancer. Identifiers: Orphanet 145, MedGen C0677776, MeSH D061325, MONDO:0003582. Disease mechanism: loss of function.

Allele frequency attached by ClinVar (database versions not stated): gnomAD 0.00002; ExAC 0.00005; TOPMed 0.00005; ESP Exome Variant Server 0.00008; gnomAD exomes 0.00008.
gnomAD v4.1: 62 of 1,611,694 alleles (0.0038%); highest among the groups gnomAD compares: Admixed American, 0.027%; no homozygotes.

Submissions (14):

Labcorp Genetics (formerly Invitae), Labcorp
Classification: Benign for Hereditary breast ovarian cancer syndrome. Last evaluated: 2026-01-14. Review status: criteria provided, single submitter. Criteria: Invitae Variant Classification Sherloc (09022015). Collection method: clinical testing. Allele origin: germline.

ARUP Laboratories, Molecular Genetics and Genomics, ARUP Laboratories
Classification: Benign. Last evaluated: 2025-07-24. Review status: criteria provided, single submitter. Criteria: ARUP Molecular Germline Variant Investigation Process 2024. Collection method: clinical testing. Allele origin: germline.

Molecular Pathology, Peter Maccallum Cancer Centre
Classification: Benign for Breast-ovarian cancer, familial, susceptibility to, 2. Last evaluated: 2025-05-22. Review status: criteria provided, single submitter. Criteria: ACMG Guidelines, 2015. Collection method: clinical testing. Allele origin: germline. Inheritance: Autosomal dominant inheritance.

Department of Pathology and Laboratory Medicine, Sinai Health System
Classification: Benign for Familial cancer of breast; Breast-ovarian cancer, familial, susceptibility to, 2. Last evaluated: 2024-05-13. Review status: criteria provided, single submitter. Criteria: ACMG Guidelines, 2015. Collection method: clinical testing. Allele origin: germline. Affected: yes.

Women's Health and Genetics/Laboratory Corporation of America, LabCorp
Classification: Benign. Last evaluated: 2021-10-21. Review status: criteria provided, single submitter. Criteria: LabCorp Variant Classification Summary - May 2015. Collection method: clinical testing. Allele origin: germline.
Comment: Variant summary: BRCA2 c.8972G>A (p.Arg2991His) results in a non-conservative amino acid change in the encoded protein sequence. Three of five in-silico tools predict a damaging effect of the variant on protein function. The variant allele was found at a frequency of 8.4e-05 in 250784 control chromosomes, predominantly at a frequency of 0.00041 within the Latino subpopulation in the gnomAD database. This frequency is not significantly higher than expected for a pathogenic variant in BRCA2 causing Hereditary Breast And Ovarian Cancer Syndrome (8.4e-05 vs 0.00075), allowing no conclusion about variant significance. c.8972G>A has been reported in the literature in individuals affected with Hereditary Breast And Ovarian Cancer Syndrome (Zuntini_2018, Dorling_2021, Guo_2020), without strong evidence for causality. These reports do not provide unequivocal conclusions about association of the variant with Hereditary Breast And Ovarian Cancer Syndrome. Co-occurrences with other pathogenic variants have been reported from publicly available databses (BRCA2 c.5645C>A, p.Ser1882X; BRCA2 c.9924C>G, p.Tyr3308X), providing supporting evidence for a benign role. Two independent studies showed the variant to have functional HDR activity (Guidugli_2018, Richardson_2021) and one study reported the variant to have no impact on splicing (Whiley_2010). Six clinical diagnostic laboratories have submitted clinical-significance assessments for this variant to ClinVar after 2014 without evidence for independent evaluation. Five labs classified the variant as likely bening/benign while one classified as VUS. Based on the evidence outlined above, the variant was classified as benign.

St. Jude Molecular Pathology, St. Jude Children's Research Hospital
Classification: Likely benign for Hereditary breast ovarian cancer syndrome. Last evaluated: 2021-08-26. Review status: criteria provided, single submitter. Criteria: St. Jude Assertion Criteria 2020. Collection method: clinical testing. Allele origin: germline.
Comment: The BRCA2 c.8972G>A (p.Arg2991His) missense change has a maximum subpopulation frequency of 0.040% in gnomAD v2.1.1. In silico tools are not in agreement about effect of this variant on protein function, however in vitro functional studies have shown that this variant results in an activity comparable to the wild type in homology-directed DNA repair (HDR) assays (BS3; PMID: 29394989). This variant has been reported in two women older than 70 years of age who have never had cancer (BS2_supporting). It has also been reported in an individual with breast or ovarian cancer (PMID: 30254663). In summary, this variant meets criteria to be classified as likely benign based on the ACMG/AMP criteria: BS3, BS2_supporting.

Sema4
Classification: Likely benign for Hereditary cancer-predisposing syndrome. Last evaluated: 2021-06-09. Review status: criteria provided, single submitter. Criteria: Sema4 Curation Guidelines. Collection method: curation. Allele origin: germline.

GeneDx
Classification: Likely benign. Last evaluated: 2021-05-10. Review status: criteria provided, single submitter. Criteria: GeneDx Variant Classification Process June 2021. Collection method: clinical testing. Allele origin: germline. Affected: yes.
Comment: This variant is associated with the following publications: (PMID: 19043619, 17899372, 20507642, 22632462, 26554728, 29394989, 30254663, 29884841, 33609447)

Quest Diagnostics Nichols Institute San Juan Capistrano
Classification: Benign. Last evaluated: 2020-01-24. Review status: criteria provided, single submitter. Criteria: Quest Diagnostics criteria. Collection method: clinical testing. Allele origin: unknown.

Ambry Genetics
Classification: Likely benign for Hereditary cancer-predisposing syndrome. Last evaluated: 2019-03-29. Review status: criteria provided, single submitter. Criteria: Ambry Variant Classification Scheme 2023. Collection method: clinical testing. Allele origin: germline.

Color Diagnostics, LLC DBA Color Health
Classification: Likely benign for Hereditary cancer-predisposing syndrome. Last evaluated: 2015-10-29. Review status: criteria provided, single submitter. Criteria: ACMG Guidelines, 2015. Collection method: clinical testing. Allele origin: germline.

Department of Medical and Surgical Sciences, University of Bologna
Classification: Benign for Breast-ovarian cancer, familial, susceptibility to, 2. Last evaluated: 2023-09-01. Review status: no assertion criteria provided. Collection method: clinical testing. Allele origin: germline. Affected: yes. Not counted in ClinVar's aggregate classification.
Comment: BS1(Strong)+BS3(Strong) according to ACMG/AMP classification guidelines specified for BRCA1 & BRCA2 (Classification Criteria V1.0.0 2023-09-08) (PMID: 38160042)

Sharing Clinical Reports Project (SCRP)
Classification: Benign for Breast-ovarian cancer, familial 2. Last evaluated: 2012-01-05. Review status: no assertion criteria provided. Collection method: clinical testing. Allele origin: germline. Not counted in ClinVar's aggregate classification.

Breast Cancer Information Core (BIC) (BRCA2)
Classification: Uncertain significance for Breast-ovarian cancer, familial 2. Last evaluated: 2003-12-23. Review status: no assertion criteria provided. Collection method: clinical testing. Allele origin: germline. Affected: yes. Observed: 2 variant alleles. Not counted in ClinVar's aggregate classification.

Literature cited by the submitters: PubMed 33609447 (cited by Department of Pathology and Laboratory Medicine, Sinai Health System and Women's Health and Genetics/Laboratory Corporation of America, LabCorp); PubMed 33471991 (cited by Department of Pathology and Laboratory Medicine, Sinai Health System and Women's Health and Genetics/Laboratory Corporation of America, LabCorp); PubMed 31837001 (cited by Department of Pathology and Laboratory Medicine, Sinai Health System and Women's Health and Genetics/Laboratory Corporation of America, LabCorp); PubMed 30254663 (cited by 3 submitters); PubMed 29394989 (cited by 3 submitters); PubMed 22632462 (cited by 3 submitters); PubMed 20507642 (cited by 3 submitters); PubMed 19043619 (cited by Women's Health and Genetics/Laboratory Corporation of America, LabCorp and Quest Diagnostics Nichols Institute San Juan Capistrano); PubMed 17899372 (cited by Women's Health and Genetics/Laboratory Corporation of America, LabCorp and Quest Diagnostics Nichols Institute San Juan Capistrano); PubMed 25782689 (cited by Women's Health and Genetics/Laboratory Corporation of America, LabCorp); PubMed 29884841 (cited by Women's Health and Genetics/Laboratory Corporation of America, LabCorp and Ambry Genetics).

NM_000059.4(BRCA2):c.8972G>A (p.Arg2991His)

Gene: BRCA2 (BRCA2 DNA repair associated; plus strand). Cytogenetic location: 13q13.1.
Variant type: single nucleotide variant.
Coding change: c.8972G>A on transcript NM_000059.4 (MANE Select); coding-DNA position 8972, G replaced by A.
Protein change: p.Arg2991His; replaces arginine 2991 with histidine.
Molecular consequence: missense variant.
Genome position (GRCh38, 1-based): chr13:32,379,768, G>A. VCF-style: chr13-32379768-G-A. GRCh37 (hg19) VCF-style: chr13-32953905-G-A.
Other names: 9200G>A; short protein forms R2991H.
Identifiers: ClinVar variation 38200 (VCV000038200.32), dbSNP rs80359150, ClinGen allele CA025905.